The following is an entry in ClinVar:

NM_001201543.2(FAM161A):c.1355C>A (p.Thr452Lys)

Gene: FAM161A (FAM161 centrosomal protein A; minus strand). Cytogenetic location: 2p15.
Variant type: single nucleotide variant.
Coding change: c.1355C>A on transcript NM_001201543.2 (MANE Select); coding-DNA position 1355, C replaced by A.
Protein change: p.Thr452Lys; replaces threonine 452 with lysine.
Molecular consequence: missense variant. On other transcripts: non-coding transcript variant (1).
Genome position (GRCh38, 1-based): chr2:61,839,649, G>T on the plus strand (C>A on the coding strand, the complement: FAM161A is on the minus strand). VCF-style: chr2-61839649-G-T. GRCh37 (hg19) VCF-style: chr2-62066784-G-T.
Other names: c.1355C>A, p.Thr452Lys (NM_032180.3); short protein forms T452K.
Identifiers: ClinVar variation 1025341 (VCV001025341.6), dbSNP rs766107015, ClinGen allele CA346986702.

ClinVar aggregate classification (germline): Uncertain significance (1 of 4 stars; one submission).

Allele frequency attached by ClinVar (database versions not stated): gnomAD exomes below 0.00001.
gnomAD v4.1: 1 of 1,614,036 alleles (0.000062%); highest among the groups gnomAD compares: Non-Finnish European, 0.000085%; no homozygotes.

Submission:

Labcorp Genetics (formerly Invitae), Labcorp
Classification: Uncertain significance. Last evaluated: 2021-08-30. Review status: criteria provided, single submitter. Criteria: Invitae Variant Classification Sherloc (09022015). Collection method: clinical testing. Allele origin: germline.
Comment: This sequence change replaces threonine with lysine at codon 452 of the FAM161A protein (p.Thr452Lys). The threonine residue is moderately conserved and there is a moderate physicochemical difference between threonine and lysine. This variant is not present in population databases (ExAC no frequency). This variant has not been reported in the literature in individuals affected with FAM161A-related conditions. Algorithms developed to predict the effect of missense changes on protein structure and function are either unavailable or do not agree on the potential impact of this missense change (SIFT: "Deleterious"; PolyPhen-2: "Benign"; Align-GVGD: "Class C0"). In summary, the available evidence is currently insufficient to determine the role of this variant in disease. Therefore, it has been classified as a Variant of Uncertain Significance.